The following is an entry in ClinVar:

ClinVar aggregate classification (germline): Uncertain significance (1 of 4 stars; one submission).

Conditions:
Mevalonic aciduria (MEVA). Identifiers: Orphanet 29, MedGen C1959626, MONDO:0012481, OMIM 610377.
Hyperimmunoglobulin D with periodic fever (HIDS). Also called: Hyperimmunoglobulinemia D with periodic fever; HYPERIMMUNOGLOBULINEMIA D AND PERIODIC FEVER SYNDROME; Hyperimmunoglobulinemia D. Identifiers: Orphanet 343, MedGen C0398691, MONDO:0009849, OMIM 260920.
Porokeratosis 3, disseminated superficial actinic type (POROK3). Also called: POROKERATOSIS, DISSEMINATED SUPERFICIAL ACTINIC, 1; POROKERATOSIS 3, MULTIPLE TYPES; POROKERATOSIS 3, MIBELLI TYPE. Identifiers: MedGen C1867981, MONDO:0008293, OMIM 175900.

Submission:

Labcorp Genetics (formerly Invitae), Labcorp
Classification: Uncertain significance for Mevalonic aciduria; Hyperimmunoglobulin D with periodic fever; Porokeratosis 3, disseminated superficial actinic type. Last evaluated: 2025-07-27. Review status: criteria provided, single submitter. Criteria: Invitae Variant Classification Sherloc (09022015). Collection method: clinical testing. Allele origin: germline.
Comment: This sequence change affects codon 124 of the MVK mRNA. It is a 'silent' change, meaning that it does not change the encoded amino acid sequence of the MVK protein. It affects a nucleotide within the consensus splice site. This variant is not present in population databases (gnomAD no frequency). This variant has not been reported in the literature in individuals affected with MVK-related conditions. ClinVar contains an entry for this variant (Variation ID: 3749804). Algorithms developed to predict the effect of sequence changes on RNA splicing suggest that this variant is not likely to affect RNA splicing. In summary, the available evidence is currently insufficient to determine the role of this variant in disease. Therefore, it has been classified as a Variant of Uncertain Significance.

NM_000431.4(MVK):c.372G>A (p.Arg124=)

Gene: MVK (mevalonate kinase; plus strand). Cytogenetic location: 12q24.11.
Variant type: single nucleotide variant.
Coding change: c.372G>A on transcript NM_000431.4 (MANE Select); coding-DNA position 372, G replaced by A.
Protein change: p.Arg124=; no amino-acid change (arginine 124 retained).
Molecular consequence: synonymous variant. On other transcripts: 5 prime UTR variant (1), non-coding transcript variant (3), intron variant (2).
Genome position (GRCh38, 1-based): chr12:109,581,395, G>A. VCF-style: chr12-109581395-G-A. GRCh37 (hg19) VCF-style: chr12-110019200-G-A.
Other names: c.372G>A, p.Arg124= (NM_001114185.3, NM_001414511.1, NM_001414512.1 and 1 more transcripts); c.-211G>A (NM_001414515.1); c.371+1449G>A (NM_001414514.1, NM_001301182.2).
Identifiers: ClinVar variation 3749804 (VCV003749804.2).